The following is an entry in ClinVar:

ClinVar aggregate classification (germline): Benign. Review status: criteria provided, multiple submitters, no conflicts (2 of 4 stars). 2 submissions from 2 submitters: Benign (2). Last evaluated 2018-06-19.

Allele frequency attached by ClinVar (database versions not stated): 1000 Genomes Project 0.50978; gnomAD 0.68140; 1000 Genomes Project 30x 0.52280; TOPMed 0.65477.

Submissions (2):

GeneDx
Classification: Benign. Last evaluated: 2018-06-19. Review status: criteria provided, single submitter. Criteria: GeneDx Variant Classification (06012015). Collection method: clinical testing. Allele origin: germline. Affected: yes.
Comment: This variant is considered likely benign or benign based on one or more of the following criteria: it is a conservative change, it occurs at a poorly conserved position in the protein, it is predicted to be benign by multiple in silico algorithms, and/or has population frequency not consistent with disease.

Breakthrough Genomics
Classification: Benign. Review status: criteria provided, single submitter. Criteria: ACMG Guidelines, 2015. Collection method: not provided. Allele origin: germline. Inheritance: Autosomal dominant inheritance. Affected: yes.

NM_001025295.2(IFITM5):c.-96T>C

Gene: IFITM5 (interferon induced transmembrane protein 5; minus strand). Cytogenetic location: 11p15.5.
Variant type: single nucleotide variant.
Coding change: c.-96T>C on transcript NM_001025295.2; 96 bases upstream of the start codon, T replaced by C.
Genome position (GRCh38, 1-based): chr11:299,586, A>G on the plus strand (T>C on the coding strand, the complement: IFITM5 is on the minus strand). VCF-style: chr11-299586-A-G. GRCh37 (hg19) VCF-style: chr11-299586-A-G.
Identifiers: ClinVar variation 674885 (VCV000674885.4), dbSNP rs56069858, ClinGen allele CA13514514.